The following is an entry in ClinVar:

NM_000530.8(MPZ):c.214G>T (p.Gly72Trp)

Gene: MPZ (myelin protein zero; minus strand). Cytogenetic location: 1q23.3.
Variant type: single nucleotide variant.
Coding change: c.214G>T on transcript NM_000530.8 (MANE Select); coding-DNA position 214, G replaced by T.
Protein change: p.Gly72Trp; replaces glycine 72 with tryptophan.
Molecular consequence: missense variant.
Genome position (GRCh38, 1-based): chr1:161,307,278, C>A on the plus strand (G>T on the coding strand, the complement: MPZ is on the minus strand). VCF-style: chr1-161307278-C-A. GRCh37 (hg19) VCF-style: chr1-161277068-C-A.
Other names: c.214G>T (LRG_256t1); c.214G>T, p.Gly72Trp (NM_001315491.2); short protein forms G72W.
Identifiers: ClinVar variation 531682 (VCV000531682.10), dbSNP rs749459367, ClinGen allele CA1210213.
Genomic context (GRCh38, chr1:161,307,278, plus strand): 5'-CTTTCTGTTATCCAACCCCAGGATTCCCCCAGGCACTCACCGAAATGGCATCTCTGCCCC[C>A]TTCGGGCTGGTAGCGCCAGGTGAAGGAGATGTCATCTGAGACCCACTCACTGGACCAGAA-3'
Protein context (NP_000521.2, residues 62-82): ISFTWRYQPE[Gly72Trp]GRDAISIFHY

ClinVar aggregate classification (germline): Uncertain significance. Review status: criteria provided, multiple submitters, no conflicts (2 of 4 stars). 2 submissions from 2 submitters: Uncertain significance (2). Last evaluated 2022-07-11.

Conditions:
Charcot-Marie-Tooth disease, type I (CMT1). Also called: Charcot-Marie-Tooth disease type 1; Charcot-Marie-Tooth, Type 1. Identifiers: Orphanet 65753, MedGen C0751036, MONDO:0019011.
Inborn genetic diseases. Identifiers: MedGen C0950123, MeSH D030342.

Allele frequency attached by ClinVar (database versions not stated): gnomAD exomes 0.00001; ExAC 0.00001.

Submissions (2):

Labcorp Genetics (formerly Invitae), Labcorp
Classification: Uncertain significance for Charcot-Marie-Tooth disease, type I. Last evaluated: 2022-07-11. Review status: criteria provided, single submitter. Criteria: Invitae Variant Classification Sherloc (09022015). Collection method: clinical testing. Allele origin: germline.
Comment: In summary, the available evidence is currently insufficient to determine the role of this variant in disease. Therefore, it has been classified as a Variant of Uncertain Significance. Algorithms developed to predict the effect of missense changes on protein structure and function are either unavailable or do not agree on the potential impact of this missense change (SIFT: "Deleterious"; PolyPhen-2: "Possibly Damaging"; Align-GVGD: "Class C15"). ClinVar contains an entry for this variant (Variation ID: 531682). This variant has not been reported in the literature in individuals affected with MPZ-related conditions. This variant is present in population databases (rs749459367, gnomAD 0.006%). This sequence change replaces glycine, which is neutral and non-polar, with tryptophan, which is neutral and slightly polar, at codon 72 of the MPZ protein (p.Gly72Trp).

Ambry Genetics
Classification: Uncertain significance for Inborn genetic diseases. Last evaluated: 2020-10-12. Review status: criteria provided, single submitter. Criteria: Ambry Variant Classification Scheme 2023. Collection method: clinical testing. Allele origin: germline.
Comment: The p.G72W variant (also known as c.214G>T), located in coding exon 2 of the MPZ gene, results from a G to T substitution at nucleotide position 214. The glycine at codon 72 is replaced by tryptophan, an amino acid with highly dissimilar properties. This amino acid position is well conserved in available vertebrate species. In addition, the in silico prediction for this alteration is inconclusive. Since supporting evidence is limited at this time, the clinical significance of this alteration remains unclear.